The following is an entry in ClinVar:

NM_014844.5(TECPR2):c.3581C>T (p.Thr1194Met)

Gene: TECPR2 (tectonin beta-propeller repeat containing 2; plus strand). Cytogenetic location: 14q32.31.
Variant type: single nucleotide variant.
Coding change: c.3581C>T on transcript NM_014844.5 (MANE Select); coding-DNA position 3581, C replaced by T.
Protein change: p.Thr1194Met; replaces threonine 1194 with methionine.
Molecular consequence: missense variant.
Genome position (GRCh38, 1-based): chr14:102,452,568, C>T. VCF-style: chr14-102452568-C-T. GRCh37 (hg19) VCF-style: chr14-102918905-C-T.
Other names: c.3581C>T (NM_014844.3); c.3581C>T, p.Thr1194Met (NM_001172631.3); short protein forms T1194M.
Identifiers: ClinVar variation 2162790 (VCV002162790.3), dbSNP rs773753994, ClinGen allele CA7358281.

ClinVar aggregate classification (germline): Uncertain significance. Review status: criteria provided, multiple submitters, no conflicts (2 of 4 stars). 3 submissions from 3 submitters: Uncertain significance (3). Last evaluated 2026-01-16.

Conditions:
Hereditary spastic paraplegia 49 (HSAN9). Also called: Spastic paraplegia 49, autosomal recessive; TECPR2-Related Hereditary Sensory and Autonomic Neuropathy with Intellectual Disability; NEUROPATHY, HEREDITARY SENSORY AND AUTONOMIC, TYPE IX, WITH DEVELOPMENTAL DELAY. Identifiers: Orphanet 320385, MedGen C5190860, MONDO:0014016, OMIM 615031.

Allele frequency attached by ClinVar (database versions not stated): TOPMed 0.00003; gnomAD 0.00004; ExAC 0.00010.
gnomAD v4.1: 119 of 1,609,834 alleles (0.0074%); highest among the groups gnomAD compares: Non-Finnish European, 0.0035%; no homozygotes.

Submissions (3):

Women's Health and Genetics/Laboratory Corporation of America, LabCorp
Classification: Uncertain significance. Last evaluated: 2026-01-16. Review status: criteria provided, single submitter. Criteria: LabCorp Variant Classification Summary - May 2015. Collection method: clinical testing. Allele origin: germline.
Comment: Variant summary: TECPR2 c.3581C>T (p.Thr1194Met) results in a non-conservative amino acid change in the encoded protein sequence. Algorithms developed to predict the effect of missense changes on protein structure and function are either unavailable or do not agree on the potential impact of this missense change. The variant allele was found at a frequency of 0.0001 in 238304 control chromosomes. This frequency is not significantly higher than estimated for disease-causing variants in TECPR2, allowing no conclusion about variant significance. To our knowledge, no occurrence of c.3581C>T in individuals affected with TECPR2-related conditions and no experimental evidence demonstrating its impact on protein function have been reported. ClinVar contains an entry for this variant (Variation ID: 2162790). Based on the evidence outlined above, the variant was classified as uncertain significance.

GeneDx
Classification: Uncertain significance. Last evaluated: 2023-03-06. Review status: criteria provided, single submitter. Criteria: GeneDx Variant Classification Process June 2021. Collection method: clinical testing. Allele origin: germline. Affected: yes.
Comment: In silico analysis supports that this missense variant has a deleterious effect on protein structure/function; Has not been previously published as pathogenic or benign to our knowledge

Labcorp Genetics (formerly Invitae), Labcorp
Classification: Uncertain significance for Hereditary spastic paraplegia 49. Last evaluated: 2022-05-16. Review status: criteria provided, single submitter. Criteria: Invitae Variant Classification Sherloc (09022015). Collection method: clinical testing. Allele origin: germline.
Comment: This sequence change replaces threonine, which is neutral and polar, with methionine, which is neutral and non-polar, at codon 1194 of the TECPR2 protein (p.Thr1194Met). This variant is present in population databases (rs773753994, gnomAD 0.2%). This variant has not been reported in the literature in individuals affected with TECPR2-related conditions. Algorithms developed to predict the effect of missense changes on protein structure and function are either unavailable or do not agree on the potential impact of this missense change (SIFT: "Deleterious"; PolyPhen-2: "Possibly Damaging"; Align-GVGD: "Class C0"). In summary, the available evidence is currently insufficient to determine the role of this variant in disease. Therefore, it has been classified as a Variant of Uncertain Significance.